The following is an entry in ClinVar:

ClinVar aggregate classification (germline): Uncertain significance (1 of 4 stars; one submission).

Conditions:
Cardiovascular phenotype. Identifiers: MedGen CN230736.

Allele frequency attached by ClinVar (database versions not stated): gnomAD exomes below 0.00001; TOPMed 0.00001; ExAC 0.00008.

Submission:

Ambry Genetics
Classification: Uncertain significance for Cardiovascular phenotype. Last evaluated: 2021-08-12. Review status: criteria provided, single submitter. Criteria: Ambry Variant Classification Scheme 2023. Collection method: clinical testing. Allele origin: germline.
Comment: The p.M500T variant (also known as c.1499T>C), located in coding exon 1 of the ZNF469 gene, results from a T to C substitution at nucleotide position 1499. The methionine at codon 500 is replaced by threonine, an amino acid with similar properties. This amino acid position is conserved. In addition, this alteration is predicted to be tolerated by in silico analysis. Since supporting evidence is limited at this time, the clinical significance of this alteration remains unclear.

NM_001367624.2(ZNF469):c.1499T>C (p.Met500Thr)

Gene: ZNF469 (zinc finger protein 469; plus strand). Cytogenetic location: 16q24.2.
Variant type: single nucleotide variant.
Coding change: c.1499T>C on transcript NM_001367624.2 (MANE Select); coding-DNA position 1499, T replaced by C.
Protein change: p.Met500Thr; replaces methionine 500 with threonine.
Molecular consequence: missense variant.
Genome position (GRCh38, 1-based): chr16:88,428,969, T>C. VCF-style: chr16-88428969-T-C. GRCh37 (hg19) VCF-style: chr16-88495377-T-C.
Other names: NM_001127464.1:c.1499T>C; short protein forms M500T.
Identifiers: ClinVar variation 1773943 (VCV001773943.2), dbSNP rs761461530, ClinGen allele CA8224681.